The following is an entry in ClinVar:

ClinVar aggregate classification (germline): Likely benign (1 of 4 stars; one submission).

Submission:

CeGaT Center for Human Genetics Tuebingen
Classification: Likely benign. Last evaluated: 2022-07-01. Review status: criteria provided, single submitter. Criteria: CeGaT Center For Human Genetics Tuebingen Variant Classification Criteria Version 2. Collection method: clinical testing. Allele origin: germline. Affected: yes. Observed: 2 variant alleles.
Comment: CASTOR3P: BP4, BP7

NR_028038.2(CASTOR3):n.471G>A

Variant type: single nucleotide variant.
Molecular consequence: non-coding transcript variant (on NR_028038.2).
Genome position: GRCh38 VCF-style: chr7-100224044-C-T. GRCh37 (hg19) VCF-style: chr7-99821667-C-T.
Identifiers: ClinVar variation 2657747 (VCV002657747.23), dbSNP rs192797829, ClinGen allele CA4379685.